The following is an entry in ClinVar:

NM_020461.4(TUBGCP6):c.2285A>G (p.Asp762Gly)

Gene: TUBGCP6 (tubulin gamma complex component 6; minus strand). Cytogenetic location: 22q13.33.
Variant type: single nucleotide variant.
Coding change: c.2285A>G on transcript NM_020461.4 (MANE Select); coding-DNA position 2285, A replaced by G.
Protein change: p.Asp762Gly; replaces aspartic acid 762 with glycine.
Molecular consequence: missense variant.
Genome position (GRCh38, 1-based): chr22:50,222,578, T>C on the plus strand (A>G on the coding strand, the complement: TUBGCP6 is on the minus strand). VCF-style: chr22-50222578-T-C. GRCh37 (hg19) VCF-style: chr22-50661007-T-C.
Other names: short protein forms D762G.
Identifiers: ClinVar variation 1006503 (VCV001006503.6), dbSNP rs1364119846, ClinGen allele CA412100111.

ClinVar aggregate classification (germline): Uncertain significance (1 of 4 stars; one submission).

Allele frequency attached by ClinVar (database versions not stated): gnomAD exomes below 0.00001; TOPMed below 0.00001; gnomAD 0.00001.
gnomAD v4.1: 3 of 1,611,826 alleles (0.00019%); highest among the groups gnomAD compares: African/African-American, 0.004%; no homozygotes.

Submission:

Labcorp Genetics (formerly Invitae), Labcorp
Classification: Uncertain significance. Last evaluated: 2021-09-01. Review status: criteria provided, single submitter. Criteria: Invitae Variant Classification Sherloc (09022015). Collection method: clinical testing. Allele origin: germline.
Comment: This sequence change replaces aspartic acid with glycine at codon 762 of the TUBGCP6 protein (p.Asp762Gly). The aspartic acid residue is weakly conserved and there is a moderate physicochemical difference between aspartic acid and glycine. This variant is not present in population databases (ExAC no frequency). This variant has not been reported in the literature in individuals affected with TUBGCP6-related conditions. Algorithms developed to predict the effect of missense changes on protein structure and function (SIFT, PolyPhen-2, Align-GVGD) all suggest that this variant is likely to be tolerated. In summary, the available evidence is currently insufficient to determine the role of this variant in disease. Therefore, it has been classified as a Variant of Uncertain Significance.